The following is an entry in ClinVar:

ClinVar aggregate classification (germline): Uncertain significance (1 of 4 stars; one submission).

Conditions:
Hereditary spastic paraplegia 73. Also called: Spastic paraplegia 73, autosomal dominant. Identifiers: Orphanet 444099, MedGen C5568981, MONDO:0014568, OMIM 616282.

gnomAD v4.1: 5 of 1,613,414 alleles (0.00031%); highest among the groups gnomAD compares: Non-Finnish European, 0.00042%; no homozygotes.

Submission:

Labcorp Genetics (formerly Invitae), Labcorp
Classification: Uncertain significance for Hereditary spastic paraplegia 73. Last evaluated: 2024-11-21. Review status: criteria provided, single submitter. Criteria: Invitae Variant Classification Sherloc (09022015). Collection method: clinical testing. Allele origin: germline.
Comment: This sequence change replaces serine, which is neutral and polar, with tyrosine, which is neutral and polar, at codon 131 of the CPT1C protein (p.Ser131Tyr). This variant is not present in population databases (gnomAD no frequency). This variant has not been reported in the literature in individuals affected with CPT1C-related conditions. An algorithm developed to predict the effect of missense changes on protein structure and function (PolyPhen-2) suggests that this variant is likely to be disruptive. In summary, the available evidence is currently insufficient to determine the role of this variant in disease. Therefore, it has been classified as a Variant of Uncertain Significance.

NM_001199753.2(CPT1C):c.392C>A (p.Ser131Tyr)

Gene: CPT1C (carnitine palmitoyltransferase 1C; plus strand). Cytogenetic location: 19q13.33.
Variant type: single nucleotide variant.
Coding change: c.392C>A on transcript NM_001199753.2 (MANE Select); coding-DNA position 392, C replaced by A.
Protein change: p.Ser131Tyr; replaces serine 131 with tyrosine.
Molecular consequence: missense variant. On other transcripts: non-coding transcript variant (1).
Genome position (GRCh38, 1-based): chr19:49,700,794, C>A. VCF-style: chr19-49700794-C-A. GRCh37 (hg19) VCF-style: chr19-50204051-C-A.
Other names: c.392C>A, p.Ser131Tyr (NM_001136052.3, NM_001199752.3, NM_001378482.1 and 7 more transcripts); short protein forms S131Y.
Identifiers: ClinVar variation 3684747 (VCV003684747.2).
Genomic context (GRCh38, chr19:49,700,794, plus strand): 5'-CCTCGTGTTTGTGGGGAGCCCTGATCTTCACACTGCACGTGGCCCTGAGGCTGCTTCTGT[C>A]CTACCACGGCTGGCTTCTTGAGCCCCACGGAGCCATGTCCTCCCCCACCAAGACCTGGCT-3'
Protein context (NP_001186682.1, residues 121-141): TLHVALRLLL[Ser131Tyr]YHGWLLEPHG